The following is an entry in ClinVar:

NM_000391.4(TPP1):c.97C>T (p.Pro33Ser)

Gene: TPP1 (tripeptidyl peptidase 1; minus strand). Cytogenetic location: 11p15.4.
Variant type: single nucleotide variant.
Coding change: c.97C>T on transcript NM_000391.4 (MANE Select); coding-DNA position 97, C replaced by T.
Protein change: p.Pro33Ser; replaces proline 33 with serine.
Molecular consequence: missense variant.
Genome position (GRCh38, 1-based): chr11:6,618,908, G>A on the plus strand (C>T on the coding strand, the complement: TPP1 is on the minus strand). VCF-style: chr11-6618908-G-A. GRCh37 (hg19) VCF-style: chr11-6640139-G-A.
Other names: short protein forms P33S.
Identifiers: ClinVar variation 1008431 (VCV001008431.6), dbSNP rs1855627680, ClinGen allele CA379476900.
Genomic context (GRCh38, chr11:6,618,908, plus strand): 5'-GGGCAAAGGTGAGACTCAGCTCTTCCTCAGGGTCCGCACGGCCCAGGGACACCCAGCCTG[G>A]GGGCAGCCTGTAGGGTCAGGGGTCAGGGACATGGCTTTGGTTAGGGTGGAGATGGAAAAT-3'
Protein context (NP_000382.3, residues 23-43): PEPDQRRTLP[Pro33Ser]GWVSLGRADP

ClinVar aggregate classification (germline): Uncertain significance (1 of 4 stars; one submission).

Allele frequency attached by ClinVar (database versions not stated): gnomAD exomes below 0.00001.
gnomAD v4.1: 1 of 1,613,244 alleles (0.000062%); highest among the groups gnomAD compares: Non-Finnish European, 0.000085%; no homozygotes.

Submission:

Labcorp Genetics (formerly Invitae), Labcorp
Classification: Uncertain significance. Last evaluated: 2021-08-28. Review status: criteria provided, single submitter. Criteria: Invitae Variant Classification Sherloc (09022015). Collection method: clinical testing. Allele origin: germline.
Comment: This sequence change replaces proline with serine at codon 33 of the TPP1 protein (p.Pro33Ser). The proline residue is highly conserved and there is a moderate physicochemical difference between proline and serine. This variant is not present in population databases (ExAC no frequency). This variant has not been reported in the literature in individuals affected with TPP1-related conditions. Algorithms developed to predict the effect of missense changes on protein structure and function (SIFT, PolyPhen-2, Align-GVGD) all suggest that this variant is likely to be tolerated. In summary, the available evidence is currently insufficient to determine the role of this variant in disease. Therefore, it has been classified as a Variant of Uncertain Significance.